The following is an entry in ClinVar:

ClinVar aggregate classification (germline): Conflicting classifications of pathogenicity. Review status: criteria provided, conflicting classifications (1 of 4 stars). 2 submissions from 2 submitters: Uncertain significance (1); Likely benign (1). Last evaluated 2026-01-18.

Conditions:
Cerebral arteriopathy, autosomal dominant, with subcortical infarcts and leukoencephalopathy, type 1 (CADASIL1). Also called: CADASIL 1; CASIL; Cerebral arteriopathy with subcortical infarcts and leukoencephalopathy 1; DEMENTIA, HEREDITARY MULTIINFARCT TYPE. Identifiers: Orphanet 136, MedGen C4551768, MONDO:0000914, OMIM 125310.

Allele frequency attached by ClinVar (database versions not stated): gnomAD exomes 0.00001 and 0.00003; gnomAD 0.00008 and 0.00009; TOPMed 0.00011; 1000 Genomes Project 30x 0.00016.

Submissions (2):

Labcorp Genetics (formerly Invitae), Labcorp
Classification: Uncertain significance. Last evaluated: 2026-01-18. Review status: criteria provided, single submitter. Criteria: Invitae Variant Classification Sherloc (09022015). Collection method: clinical testing. Allele origin: germline.
Comment: This sequence change affects codon 500 of the NOTCH3 mRNA. It is a 'silent' change, meaning that it does not change the encoded amino acid sequence of the NOTCH3 protein. The frequency data for this variant in the population databases is considered unreliable, as metrics indicate poor data quality at this position in the gnomAD database. This variant has been observed in individual(s) with ischemic stroke, but has also been observed in unaffected individuals (PMID: 24086431). This variant is also known as rs146055867. ClinVar contains an entry for this variant (Variation ID: 892110). Algorithms developed to predict the effect of sequence changes on RNA splicing suggest that this variant is not likely to affect RNA splicing. In summary, the available evidence is currently insufficient to determine the role of this variant in disease. Therefore, it has been classified as a Variant of Uncertain Significance.

Illumina Laboratory Services, Illumina
Classification: Likely benign for Cerebral arteriopathy, autosomal dominant, with subcortical infarcts and leukoencephalopathy, type 1. Last evaluated: 2017-04-27. Review status: criteria provided, single submitter. Criteria: ICSL Variant Classification Criteria 13 December 2019. Collection method: clinical testing. Allele origin: germline.
Comment: This variant was observed as part of a predisposition screen in an ostensibly healthy population. A literature search was performed for the gene, cDNA change, and amino acid change (where applicable). Publications were found based on this search. The evidence from the literature, in combination with allele frequency data from public databases where available, was sufficient to determine this variant is unlikely to cause disease. Therefore, this variant is classified as likely benign.

Literature cited by the submitters: PubMed 24086431 (cited by Labcorp Genetics (formerly Invitae), Labcorp and Illumina Laboratory Services, Illumina).

NM_000435.3(NOTCH3):c.1500C>T (p.Ser500=)

Gene: NOTCH3 (notch receptor 3; minus strand). Cytogenetic location: 19p13.12.
Variant type: single nucleotide variant.
Coding change: c.1500C>T on transcript NM_000435.3 (MANE Select); coding-DNA position 1500, C replaced by T.
Protein change: p.Ser500=; no amino-acid change (serine 500 retained).
Molecular consequence: synonymous variant.
Genome position (GRCh38, 1-based): chr19:15,187,987, G>A on the plus strand (C>T on the coding strand, the complement: NOTCH3 is on the minus strand). VCF-style: chr19-15187987-G-A. GRCh37 (hg19) VCF-style: chr19-15298798-G-A.
Identifiers: ClinVar variation 892110 (VCV000892110.9), dbSNP rs146055867, ClinGen allele CA305775285.
Genomic context (GRCh38, chr19:15,187,987, plus strand): 5'-GGCGCCATTCCTGCAGGGCGTGCTGGCGCATTCGTCCACGTCCAGCTGACACGTGGAGCC[G>A]CTGAAGCCTGGGGTGGGGAGTGGGATGAGCAGAGGCCCAGAAAGGGTGAGAGCAGTACAC-3'
Protein context (NP_000426.2, residues 490-510): GFSCTCPSGF[Ser500=]GSTCQLDVDE